The following is an entry in ClinVar:

NM_030966.2(KRTAP1-3):c.120C>T (p.Cys40=)

Gene: KRTAP1-3 (keratin associated protein 1-3; minus strand). Cytogenetic location: 17q21.2.
Variant type: single nucleotide variant.
Coding change: c.120C>T on transcript NM_030966.2 (MANE Select); coding-DNA position 120, C replaced by T.
Protein change: p.Cys40=; no amino-acid change (cysteine 40 retained).
Molecular consequence: synonymous variant.
Genome position (GRCh38, 1-based): chr17:41,034,702, G>A on the plus strand (C>T on the coding strand, the complement: KRTAP1-3 is on the minus strand). VCF-style: chr17-41034702-G-A. GRCh37 (hg19) VCF-style: chr17-39190954-G-A.
Identifiers: ClinVar variation 2647752 (VCV002647752.24), dbSNP rs75033421, ClinGen allele CA290610957.

ClinVar aggregate classification (germline): Likely benign (1 of 4 stars; one submission).

Submission:

CeGaT Center for Human Genetics Tuebingen
Classification: Likely benign. Last evaluated: 2023-09-01. Review status: criteria provided, single submitter. Criteria: CeGaT Center For Human Genetics Tuebingen Variant Classification Criteria Version 2. Collection method: clinical testing. Allele origin: germline. Affected: yes. Observed: 2 variant alleles.
Comment: KRTAP1-3: PM2:Supporting, BP4, BP7